The following is an entry in ClinVar:

ClinVar aggregate classification (germline): Uncertain significance. Review status: criteria provided, multiple submitters, no conflicts (2 of 4 stars). 2 submissions from 2 submitters: Uncertain significance (2). Last evaluated 2022-12-26.

Allele frequency attached by ClinVar (database versions not stated): gnomAD 0.00001; ExAC 0.00002; TOPMed 0.00002; gnomAD exomes 0.00005.
gnomAD v4.1: 50 of 1,209,205 alleles (0.0041%); highest among the groups gnomAD compares: Non-Finnish European, 0.0054%; no homozygotes.

Submissions (2):

Blueprint Genetics
Classification: Uncertain significance. Last evaluated: 2022-12-26. Review status: criteria provided, single submitter. Criteria: ACMG Guidelines, 2015. Collection method: clinical testing. Allele origin: germline.

Labcorp Genetics (formerly Invitae), Labcorp
Classification: Uncertain significance. Last evaluated: 2022-05-29. Review status: criteria provided, single submitter. Criteria: Invitae Variant Classification Sherloc (09022015). Collection method: clinical testing. Allele origin: germline.
Comment: Algorithms developed to predict the effect of missense changes on protein structure and function (SIFT, PolyPhen-2, Align-GVGD) all suggest that this variant is likely to be tolerated. In summary, the available evidence is currently insufficient to determine the role of this variant in disease. Therefore, it has been classified as a Variant of Uncertain Significance. This variant has not been reported in the literature in individuals affected with CACNA1F-related conditions. This variant is present in population databases (rs782379230, gnomAD 0.005%). This sequence change replaces glutamic acid, which is acidic and polar, with lysine, which is basic and polar, at codon 1955 of the CACNA1F protein (p.Glu1955Lys).

NM_001256789.3(CACNA1F):c.5830G>A (p.Glu1944Lys)

Gene: CACNA1F (calcium voltage-gated channel subunit alpha1 F; minus strand). Cytogenetic location: Xp11.23.
Variant type: single nucleotide variant.
Coding change: c.5830G>A on transcript NM_001256789.3 (MANE Select); coding-DNA position 5830, G replaced by A.
Protein change: p.Glu1944Lys; replaces glutamic acid 1944 with lysine.
Molecular consequence: missense variant.
Genome position (GRCh38, 1-based): chrX:49,205,208, C>T on the plus strand (G>A on the coding strand, the complement: CACNA1F is on the minus strand). VCF-style: chrX-49205208-C-T. GRCh37 (hg19) VCF-style: chrX-49061668-C-T.
Other names: c.5668G>A, p.Glu1890Lys (NM_001256790.3); c.5863G>A, p.Glu1955Lys (NM_005183.4); short protein forms E1955K, E1944K, E1890K.
Identifiers: ClinVar variation 1907715 (VCV001907715.6), dbSNP rs782379230, ClinGen allele CA10409892.